The following is an entry in ClinVar:

ClinVar aggregate classification (germline): Pathogenic (1 of 4 stars; one submission).

Submission:

Athena Diagnostics
Classification: Pathogenic. Last evaluated: 2021-06-15. Review status: criteria provided, single submitter. Criteria: Athena Diagnostics Criteria. Collection method: clinical testing. Allele origin: unknown.
Comment: This variant is expected to result in the loss of a functional protein. Similar variants have not been reported in large, multi-ethnic general populations. Similar deletions of exon 63 have been identified in individuals with Duchenne muscular dystrophy (DMD).

Literature cited by the submitters: PubMed 19937601; PubMed 23695957; PubMed 25972034; PubMed 27206868; PubMed 29973226; PubMed 33101180.

Single allele

Gene: DMD (dystrophin; minus strand). Cytogenetic location: Xp21.2.
Variant type: Deletion.
Identifiers: ClinVar variation 1807251 (VCV001807251.1).